The following is an entry in ClinVar:

ClinVar aggregate classification (germline): Uncertain significance (1 of 4 stars; one submission).

Submission:

GeneDx
Classification: Uncertain significance. Last evaluated: 2023-06-22. Review status: criteria provided, single submitter. Criteria: GeneDx Variant Classification Process June 2021. Collection method: clinical testing. Allele origin: germline. Affected: yes.
Comment: Not observed at significant frequency in large population cohorts (gnomAD); In silico analysis supports that this missense variant has a deleterious effect on protein structure/function; Has not been previously published as pathogenic or benign to our knowledge

NM_001130823.3(DNMT1):c.4219G>A (p.Glu1407Lys)

Gene: DNMT1 (DNA methyltransferase 1; minus strand). Cytogenetic location: 19p13.2.
Variant type: single nucleotide variant.
Coding change: c.4219G>A on transcript NM_001130823.3 (MANE Select); coding-DNA position 4219, G replaced by A.
Protein change: p.Glu1407Lys; replaces glutamic acid 1407 with lysine.
Molecular consequence: missense variant.
Genome position (GRCh38, 1-based): chr19:10,137,906, C>T on the plus strand (G>A on the coding strand, the complement: DNMT1 is on the minus strand). VCF-style: chr19-10137906-C-T. GRCh37 (hg19) VCF-style: chr19-10248582-C-T.
Other names: c.4171G>A, p.Glu1391Lys (NM_001318730.2, NM_001379.4); c.3856G>A, p.Glu1286Lys (NM_001318731.2); short protein forms E1286K, E1391K, E1407K.
Identifiers: ClinVar variation 3360115 (VCV003360115.1).